The following is an entry in ClinVar:

NM_001291303.3(FAT4):c.3505C>T (p.Arg1169Trp)

Gene: FAT4 (FAT atypical cadherin 4; plus strand). Cytogenetic location: 4q28.1.
Variant type: single nucleotide variant.
Coding change: c.3505C>T on transcript NM_001291303.3 (MANE Select); coding-DNA position 3505, C replaced by T.
Protein change: p.Arg1169Trp; replaces arginine 1169 with tryptophan.
Molecular consequence: missense variant.
Genome position (GRCh38, 1-based): chr4:125,319,916, C>T. VCF-style: chr4-125319916-C-T. GRCh37 (hg19) VCF-style: chr4-126241071-C-T.
Other names: c.3505C>T, p.Arg1169Trp (NM_001291285.3, NM_024582.6); short protein forms R1169W.
Identifiers: ClinVar variation 1001803 (VCV001001803.4), dbSNP rs190175933, ClinGen allele CA3072319.
Genomic context (GRCh38, chr4:125,319,916, plus strand): 5'-CATGCCATCAGTGGGGAAATTACAAATACTCATCAGTTTGACAGGGAGTCTCTTATGAGG[C>T]GGAGAGGGACTGCTGTGTTTAGCTTTACAGTCATAGCAACAGATCAGGGGATCCCTCAGC-3'
Protein context (NP_001278232.1, residues 1159-1179): HQFDRESLMR[Arg1169Trp]RGTAVFSFTV

ClinVar aggregate classification (germline): Uncertain significance (1 of 4 stars; one submission).

Allele frequency attached by ClinVar (database versions not stated): ESP Exome Variant Server 0.00008; TOPMed 0.00008; gnomAD 0.00010 and 0.00011; ExAC 0.00004; 1000 Genomes Project 0.00020; 1000 Genomes Project 30x 0.00031; gnomAD exomes 0.00005.
gnomAD v4.1: 165 of 1,613,886 alleles (0.01%); highest among the groups gnomAD compares: African/African-American, 0.019%; no homozygotes.

Submission:

Labcorp Genetics (formerly Invitae), Labcorp
Classification: Uncertain significance. Last evaluated: 2025-11-03. Review status: criteria provided, single submitter. Criteria: Invitae Variant Classification Sherloc (09022015). Collection method: clinical testing. Allele origin: germline.
Comment: This sequence change replaces arginine, which is basic and polar, with tryptophan, which is neutral and slightly polar, at codon 1169 of the FAT4 protein (p.Arg1169Trp). This variant is present in population databases (rs190175933, gnomAD 0.01%). This variant has not been reported in the literature in individuals affected with FAT4-related conditions. ClinVar contains an entry for this variant (Variation ID: 1001803). Invitae Evidence Modeling of protein sequence and biophysical properties (such as structural, functional, and spatial information, amino acid conservation, physicochemical variation, residue mobility, and thermodynamic stability) indicates that this missense variant is not expected to disrupt FAT4 protein function with a negative predictive value of 95%. In summary, the available evidence is currently insufficient to determine the role of this variant in disease. Therefore, it has been classified as a Variant of Uncertain Significance.